The following is an entry in ClinVar:

ClinVar aggregate classification (germline): Benign/Likely benign. Review status: criteria provided, multiple submitters, no conflicts (2 of 4 stars). 3 submissions from 3 submitters: Benign (1); Likely benign (2). Last evaluated 2025-12-03.

Conditions:
Aortic aneurysm, familial thoracic 4 (AAT4). Also called: AORTIC ANEURYSM/AORTIC DISSECTION AND PATENT DUCTUS ARTERIOSUS. Identifiers: MedGen C1851504, MONDO:0007568, OMIM 132900.

Allele frequency attached by ClinVar (database versions not stated): gnomAD 0.00005 and 0.00006; TOPMed 0.00005; gnomAD exomes 0.00006 and 0.00008; ExAC 0.00010; ESP Exome Variant Server 0.00015.
gnomAD v4.1: 123 of 1,612,766 alleles (0.0076%); highest among the groups gnomAD compares: Non-Finnish European, 0.01%; no homozygotes.

Submissions (3):

Labcorp Genetics (formerly Invitae), Labcorp
Classification: Likely benign for Aortic aneurysm, familial thoracic 4. Last evaluated: 2025-12-03. Review status: criteria provided, single submitter. Criteria: Invitae Variant Classification Sherloc (09022015). Collection method: clinical testing. Allele origin: germline.

Blueprint Genetics
Classification: Likely benign. Last evaluated: 2024-04-09. Review status: criteria provided, single submitter. Criteria: ACMG Guidelines, 2015. Collection method: clinical testing. Allele origin: germline.

GeneDx
Classification: Benign. Last evaluated: 2015-09-21. Review status: criteria provided, single submitter. Criteria: GeneDx Variant Classification (06012015). Collection method: clinical testing. Allele origin: germline. Affected: yes.
Comment: This variant is considered likely benign or benign based on one or more of the following criteria: it is a conservative change, it occurs at a poorly conserved position in the protein, it is predicted to be benign by multiple in silico algorithms, and/or has population frequency not consistent with disease.

NM_002474.3(MYH11):c.2998-20C>G

Gene: MYH11 (myosin heavy chain 11; minus strand). Cytogenetic location: 16p13.11.
Variant type: single nucleotide variant.
Coding change: c.2998-20C>G on transcript NM_002474.3 (MANE Select); 20 bases into the intron before coding-DNA position 2998, C replaced by G.
Molecular consequence: intron variant.
Genome position (GRCh38, 1-based): chr16:15,738,708, G>C on the plus strand (C>G on the coding strand, the complement: MYH11 is on the minus strand). VCF-style: chr16-15738708-G-C. GRCh37 (hg19) VCF-style: chr16-15832565-G-C.
Other names: c.2998-20C>G (NM_022844.3); c.3019-20C>G (NM_001040114.2, NM_001040113.2).
Identifiers: ClinVar variation 378201 (VCV000378201.6), dbSNP rs375953322, ClinGen allele CA7922113.